The following is an entry in ClinVar:

ClinVar aggregate classification (germline): Benign/Likely benign. Review status: criteria provided, multiple submitters, no conflicts (2 of 4 stars). 3 submissions from 3 submitters: Benign (2); Likely benign (1). Last evaluated 2026-09-01.

Conditions:
Encephalopathy, acute, infection-induced (herpes-specific), susceptibility to, 1. Also called: Herpes simplex encephalitis, susceptibility to, 1. Identifiers: Orphanet 1930, MedGen C2750180, MONDO:0024563, OMIM 610551.

Allele frequency attached by ClinVar (database versions not stated): gnomAD exomes 0.00422 and 0.00266; gnomAD 0.00237 and 0.00257; ExAC 0.00613; 1000 Genomes Project 0.00280; 1000 Genomes Project 30x 0.00281; TOPMed 0.00308.
gnomAD v4.1: 3,440 of 1,258,826 alleles (0.27%); highest among the groups gnomAD compares: Middle Eastern, 2.9%; 18 homozygotes.

Submissions (3):

CeGaT Center for Human Genetics Tuebingen
Classification: Likely benign. Last evaluated: 2026-09-01. Review status: criteria provided, single submitter. Criteria: CeGaT Center For Human Genetics Tuebingen Variant Classification Criteria Version 2. Collection method: clinical testing. Allele origin: germline. Affected: yes. Observed: 12 variant alleles.
Comment: UNC93B1: BS2

Labcorp Genetics (formerly Invitae), Labcorp
Classification: Benign for Encephalopathy, acute, infection-induced (herpes-specific), susceptibility to, 1. Last evaluated: 2026-02-01. Review status: criteria provided, single submitter. Criteria: Invitae Variant Classification Sherloc (09022015). Collection method: clinical testing. Allele origin: germline.

Breakthrough Genomics
Classification: Benign. Review status: criteria provided, single submitter. Criteria: ACMG Guidelines, 2015. Collection method: not provided. Allele origin: germline. Inheritance: Unknown mechanism. Affected: yes.

NM_030930.4(UNC93B1):c.1453G>A (p.Val485Met)

Gene: UNC93B1 (unc-93B1 regulator of TLR signaling; minus strand). Cytogenetic location: 11q13.2.
Variant type: single nucleotide variant.
Coding change: c.1453G>A on transcript NM_030930.4 (MANE Select); coding-DNA position 1453, G replaced by A.
Protein change: p.Val485Met; replaces valine 485 with methionine.
Molecular consequence: missense variant.
Genome position (GRCh38, 1-based): chr11:67,993,705, C>T on the plus strand (G>A on the coding strand, the complement: UNC93B1 is on the minus strand). VCF-style: chr11-67993705-C-T. GRCh37 (hg19) VCF-style: chr11-67761176-C-T.
Other names: short protein forms V485M.
Identifiers: ClinVar variation 470491 (VCV000470491.36), dbSNP rs199824078, ClinGen allele CA6145375.